The following is an entry in ClinVar:

NM_170682.4(P2RX2):c.121dup (p.Leu41fs)

Gene: P2RX2 (purinergic receptor P2X 2; plus strand). Cytogenetic location: 12q24.33.
Variant type: Duplication.
Coding change: c.121dup on transcript NM_170682.4 (MANE Select); coding-DNA position 121, one base duplicated (C; older notation c.121dupC).
Protein change: p.Leu41fs; shifts the reading frame from leucine 41.
Molecular consequence: frameshift variant. On other transcripts: intron variant (2).
Genome position (GRCh38, 1-based): chr12:132,618,937, C duplicated; the last of 2 consecutive C bases (chr12:132,618,936-132,618,937); duplicating either gives the same sequence. VCF-style (leftmost placement, unchanged base first): chr12-132618935-G-GC. GRCh37 (hg19) VCF-style: chr12-133195521-G-GC.
Other names: c.121dup, p.Leu41fs (NM_001282164.2, NM_001282165.2, NM_016318.4 and 2 more transcripts); c.105+16dup (NM_012226.5, NM_174872.3); short protein forms L41fs.
Identifiers: ClinVar variation 3340149 (VCV003340149.1).

ClinVar aggregate classification (germline): Likely pathogenic (1 of 4 stars; one submission).

Conditions:
Autosomal dominant nonsyndromic hearing loss. Also called: Rare autosomal dominant non-syndromic sensorineural deafness type DFNA. Identifiers: Orphanet 90635, MedGen C5779548, MONDO:0019587.

Submission:

Laboratory of Human Genetics, Universidade de São Paulo
Classification: Likely pathogenic for Autosomal dominant nonsyndromic hearing loss. Last evaluated: 2024-05-01. Review status: criteria provided, single submitter. Criteria: ClinGen HL ACMG Specifications v1. Collection method: research. Allele origin: unknown. Affected: yes. Observed: 1 variant allele.